The following is an entry in ClinVar:

ClinVar aggregate classification (germline): Uncertain significance (1 of 4 stars; one submission).

Conditions:
Charcot-Marie-Tooth disease type 2. Also called: Charcot-Marie-Tooth type 2. Identifiers: Orphanet 64746, MedGen C0270914, MONDO:0018993.

Allele frequency attached by ClinVar (database versions not stated): gnomAD exomes below 0.00001; TOPMed below 0.00001.

Submission:

Labcorp Genetics (formerly Invitae), Labcorp
Classification: Uncertain significance for Charcot-Marie-Tooth disease type 2. Last evaluated: 2023-07-27. Review status: criteria provided, single submitter. Criteria: Invitae Variant Classification Sherloc (09022015). Collection method: clinical testing. Allele origin: germline.
Comment: In summary, the available evidence is currently insufficient to determine the role of this variant in disease. Therefore, it has been classified as a Variant of Uncertain Significance. Advanced modeling of protein sequence and biophysical properties (such as structural, functional, and spatial information, amino acid conservation, physicochemical variation, residue mobility, and thermodynamic stability) performed at Invitae indicates that this missense variant is expected to disrupt MFN2 protein function. ClinVar contains an entry for this variant (Variation ID: 1352223). This variant has not been reported in the literature in individuals affected with MFN2-related conditions. This variant is present in population databases (no rsID available, gnomAD 0.003%). This sequence change replaces alanine, which is neutral and non-polar, with valine, which is neutral and non-polar, at codon 365 of the MFN2 protein (p.Ala365Val).

NM_014874.4(MFN2):c.1094C>T (p.Ala365Val)

Gene: MFN2 (mitofusin 2; plus strand). Cytogenetic location: 1p36.22.
Variant type: single nucleotide variant.
Coding change: c.1094C>T on transcript NM_014874.4 (MANE Select); coding-DNA position 1094, C replaced by T.
Protein change: p.Ala365Val; replaces alanine 365 with valine.
Molecular consequence: missense variant.
Genome position (GRCh38, 1-based): chr1:12,002,037, C>T. VCF-style: chr1-12002037-C-T. GRCh37 (hg19) VCF-style: chr1-12062094-C-T.
Other names: c.1094C>T, p.Ala365Val (NM_001127660.2); short protein forms A365V.
Identifiers: ClinVar variation 1352223 (VCV001352223.6), dbSNP rs868500000, ClinGen allele CA18010359.